The following is an entry in ClinVar:

NM_004380.3(CREBBP):c.1331-3T>C

Gene: CREBBP (CREB binding lysine acetyltransferase; minus strand). Cytogenetic location: 16p13.3.
Variant type: single nucleotide variant.
Coding change: c.1331-3T>C on transcript NM_004380.3 (MANE Select); 3 bases into the intron before coding-DNA position 1331, T replaced by C.
Molecular consequence: intron variant.
Genome position (GRCh38, 1-based): chr16:3,782,929, A>G on the plus strand (T>C on the coding strand, the complement: CREBBP is on the minus strand). VCF-style: chr16-3782929-A-G. GRCh37 (hg19) VCF-style: chr16-3832930-A-G.
Other names: c.1217-3T>C (NM_001079846.1).
Identifiers: ClinVar variation 4988190 (VCV004988190.1).
Genomic context (GRCh38, chr16:3,782,929, plus strand): 5'-CCTGTGCCAACAGAACCAATTGTGTTTTGAATTCCACTAGCTGGAGACCCCAGGATGGCT[A>G]TAACGACAAACAGACAGACAGACAAAAACGAGAGGTAAGTAAAAGGGAGAAGCCCACGAA-3'

ClinVar aggregate classification (germline): Likely benign (1 of 4 stars; one submission).

Conditions:
CREBBP-related disorder. Also called: CREBBP-related disorders; CREBBP-related condition.

gnomAD v4.1: 3 of 1,614,234 alleles (0.00019%); highest among the groups gnomAD compares: African/African-American, 0.0013%; no homozygotes.

Submission:

PreventionGenetics, part of Exact Sciences
Classification: Likely benign for CREBBP-related condition. Last evaluated: 2024-12-05. Review status: criteria provided, single submitter. Criteria: ACMG Guidelines, 2015. Collection method: clinical testing. Allele origin: germline.
Comment: This variant is classified as likely benign based on ACMG/AMP sequence variant interpretation guidelines (Richards et al. 2015 PMID: 25741868, with internal and published modifications).